The following is an entry in ClinVar:

NM_025114.4(CEP290):c.7365A>G (p.Glu2455=)

Genes: CEP290 (centrosomal protein 290; minus strand), RLIG1 (RNA 5'-phosphate and 3'-OH ligase 1; plus strand). Cytogenetic location: 12q21.32.
Variant type: single nucleotide variant.
Coding change: c.7365A>G on transcript NM_025114.4 (MANE Select); coding-DNA position 7365, A replaced by G.
Protein change: p.Glu2455=; no amino-acid change (glutamic acid 2455 retained).
Molecular consequence: synonymous variant. On other transcripts: 3 prime UTR variant (1).
Genome position (GRCh38, 1-based): chr12:88,049,259, T>C on the plus strand (A>G on the coding strand, the complement: CEP290 is on the minus strand). VCF-style: chr12-88049259-T-C. GRCh37 (hg19) VCF-style: chr12-88443036-T-C.
Other names: c.*837T>C (NM_001009894.3).
Identifiers: ClinVar variation 310585 (VCV000310585.17), dbSNP rs765709669, ClinGen allele CA6711281.

ClinVar aggregate classification (germline): Conflicting classifications of pathogenicity. Review status: criteria provided, conflicting classifications (1 of 4 stars). 8 submissions from 4 submitters: Uncertain significance (5); Likely benign (2). 1 of the submissions does not count toward it. Last evaluated 2025-04-07.

Conditions:
Joubert syndrome 5 (JBTS5). Identifiers: Orphanet 2318, MedGen C1857780, MONDO:0012432, OMIM 610188.
Meckel syndrome, type 4 (MKS4). Also called: MECKEL-GRUBER SYNDROME, TYPE 4. Identifiers: Orphanet 564, MedGen C1970161, MONDO:0012626, OMIM 611134.
Bardet-Biedl syndrome 14 (BBS14). Identifiers: Orphanet 110, MedGen C2673874, MONDO:0014442, OMIM 615991.
CEP290-related disorder. Also called: CEP290-related disorders; CEP290-related condition. Identifiers: MedGen CN239314.
Meckel-Gruber syndrome. Also called: GRUBER SYNDROME; DYSENCEPHALIA SPLANCHNOCYSTICA; Dysencephalia splachnocystica. Identifiers: Orphanet 564, MedGen C0265215, MONDO:0018921.
Joubert syndrome. Also called: JOUBERT-BOLTSHAUSER SYNDROME; Familial aplasia of the vermis. Identifiers: Orphanet 475, MedGen C5979921, MONDO:0018772.
Nephronophthisis. Also called: Juvenile Nephronophthisis. Identifiers: Orphanet 655, MedGen C0687120, MONDO:0019005, HP:0000090.
Leber congenital amaurosis 10 (LCA10). Identifiers: Orphanet 65, MedGen C1857821, MONDO:0012723, OMIM 611755.
Senior-Loken syndrome 6 (SLSN6). Identifiers: Orphanet 3156, MedGen C1857779, MONDO:0012433, OMIM 610189.

Allele frequency attached by ClinVar (database versions not stated): ExAC 0.00001; gnomAD exomes 0.00001; gnomAD 0.00003 and 0.00004; TOPMed 0.00003.
gnomAD v4.1: 22 of 1,609,876 alleles (0.0014%); highest among the groups gnomAD compares: Non-Finnish European, 0.0018%; no homozygotes.

Submissions (8):

Labcorp Genetics (formerly Invitae), Labcorp
Classification: Likely benign for Joubert syndrome; Meckel-Gruber syndrome; Nephronophthisis. Last evaluated: 2025-04-07. Review status: criteria provided, single submitter. Criteria: Invitae Variant Classification Sherloc (09022015). Collection method: clinical testing. Allele origin: germline.

Blueprint Genetics
Classification: Likely benign. Last evaluated: 2022-07-18. Review status: criteria provided, single submitter. Criteria: ACMG Guidelines, 2015. Collection method: clinical testing. Allele origin: germline.

Illumina Laboratory Services, Illumina
Classification: Uncertain significance for Joubert syndrome 5. Last evaluated: 2018-01-13. Review status: criteria provided, single submitter. Criteria: ICSL Variant Classification Criteria 13 December 2019. Collection method: clinical testing. Allele origin: germline.

Illumina Laboratory Services, Illumina
Classification: Uncertain significance for Leber congenital amaurosis 10. Last evaluated: 2018-01-13. Review status: criteria provided, single submitter. Criteria: ICSL Variant Classification Criteria 13 December 2019. Collection method: clinical testing. Allele origin: germline.

Illumina Laboratory Services, Illumina
Classification: Uncertain significance for Senior-Loken syndrome 6. Last evaluated: 2018-01-13. Review status: criteria provided, single submitter. Criteria: ICSL Variant Classification Criteria 13 December 2019. Collection method: clinical testing. Allele origin: germline.

Illumina Laboratory Services, Illumina
Classification: Uncertain significance for Meckel syndrome, type 4. Last evaluated: 2018-01-13. Review status: criteria provided, single submitter. Criteria: ICSL Variant Classification Criteria 13 December 2019. Collection method: clinical testing. Allele origin: germline.

Illumina Laboratory Services, Illumina
Classification: Uncertain significance for Bardet-Biedl syndrome 14. Last evaluated: 2018-01-13. Review status: criteria provided, single submitter. Criteria: ICSL Variant Classification Criteria 13 December 2019. Collection method: clinical testing. Allele origin: germline.

PreventionGenetics, part of Exact Sciences
Classification: Likely benign for CEP290-related condition. Last evaluated: 2023-02-15. Review status: no assertion criteria provided. Collection method: clinical testing. Allele origin: germline. Not counted in ClinVar's aggregate classification.
Comment: This variant is classified as likely benign based on ACMG/AMP sequence variant interpretation guidelines (Richards et al. 2015 PMID: 25741868, with internal and published modifications).